The following is an entry in ClinVar:

ClinVar aggregate classification (germline): Likely benign. Review status: criteria provided, single submitter (1 of 4 stars). 2 submissions from 2 submitters: Likely benign (1). 1 of the submissions does not count toward it. Last evaluated 2024-05-02.

Conditions:
NPC1L1-related disorder. Also called: NPC1L1-related condition.

Submissions (2):

Blueprint Genetics
Classification: Likely benign. Last evaluated: 2024-05-02. Review status: criteria provided, single submitter. Criteria: ACMG Guidelines, 2015. Collection method: clinical testing. Allele origin: germline.

PreventionGenetics, part of Exact Sciences
Classification: Benign for NPC1L1-related condition. Last evaluated: 2019-02-21. Review status: no assertion criteria provided. Collection method: clinical testing. Allele origin: germline. Not counted in ClinVar's aggregate classification.
Comment: This variant is classified as benign based on ACMG/AMP sequence variant interpretation guidelines (Richards et al. 2015 PMID: 25741868, with internal and published modifications).

NM_001101648.2(NPC1L1):c.3797-11TC[2]

Gene: NPC1L1 (NPC1 like intracellular cholesterol transporter 1; minus strand). Cytogenetic location: 7p13.
Variant type: Microsatellite.
Coding change: c.3797-11TC[2] on transcript NM_001101648.2 (MANE Select); two copies in a row of the 2-base unit TC starting at c.3797-11; the reference has three copies in a row; one copy, 2 bases deleted.
Molecular consequence: intron variant.
Genome position (GRCh38, 1-based): chr7:44,513,655-44,513,656, GA deleted on the plus strand (TC on the coding strand, the reverse complement: NPC1L1 is on the minus strand); deleting any 2 consecutive bases within chr7:44,513,655-44,513,660 gives the same sequence; the position shown is the placement nearest the transcript's 3' end. VCF-style (leftmost placement, unchanged base first): chr7-44513654-GGA-G. GRCh37 (hg19) VCF-style: chr7-44553253-GGA-G.
Other names: c.3878-11TC[2] (NM_013389.3).
Identifiers: ClinVar variation 3035606 (VCV003035606.3), dbSNP rs551386034, ClinGen allele CA4241392.